The following is an entry in ClinVar:

NM_139057.4(ADAMTS17):c.3028G>A (p.Glu1010Lys)

Gene: ADAMTS17 (ADAM metallopeptidase with thrombospondin type 1 motif 17; minus strand). Cytogenetic location: 15q26.3.
Variant type: single nucleotide variant.
Coding change: c.3028G>A on transcript NM_139057.4 (MANE Select); coding-DNA position 3028, G replaced by A.
Protein change: p.Glu1010Lys; replaces glutamic acid 1010 with lysine.
Molecular consequence: missense variant.
Genome position (GRCh38, 1-based): chr15:99,976,144, C>T on the plus strand (G>A on the coding strand, the complement: ADAMTS17 is on the minus strand). VCF-style: chr15-99976144-C-T. GRCh37 (hg19) VCF-style: chr15-100516349-C-T.
Other names: short protein forms E1010K.
Identifiers: ClinVar variation 315257 (VCV000315257.7), dbSNP rs367651794, ClinGen allele CA7757496.

ClinVar aggregate classification (germline): Uncertain significance. Review status: criteria provided, multiple submitters, no conflicts (2 of 4 stars). 2 submissions from 2 submitters: Uncertain significance (2). Last evaluated 2022-09-07.

Conditions:
Weill-Marchesani 4 syndrome, recessive. Also called: Weill-Marchesani syndrome 4. Identifiers: Orphanet 363992, MedGen C2750787, MONDO:0013176, OMIM 613195.

Allele frequency attached by ClinVar (database versions not stated): gnomAD exomes 0.00028; ESP Exome Variant Server 0.00033; ExAC 0.00034; gnomAD 0.00034 and 0.00035; TOPMed 0.00036.
gnomAD v4.1: 705 of 1,550,758 alleles (0.045%); highest among the groups gnomAD compares: Non-Finnish European, 0.058%; no homozygotes.

Submissions (2):

Labcorp Genetics (formerly Invitae), Labcorp
Classification: Uncertain significance. Last evaluated: 2022-09-07. Review status: criteria provided, single submitter. Criteria: Invitae Variant Classification Sherloc (09022015). Collection method: clinical testing. Allele origin: germline.
Comment: This sequence change replaces glutamic acid with lysine at codon 1010 of the ADAMTS17 protein (p.Glu1010Lys). The glutamic acid residue is highly conserved and there is a small physicochemical difference between glutamic acid and lysine. This variant is present in population databases (rs367651794, gnomAD 0.06%). This missense change has been observed in individual(s) with bronchopulmonary dysplasia (PMID: 31848748). ClinVar contains an entry for this variant (Variation ID: 315257). Algorithms developed to predict the effect of missense changes on protein structure and function are either unavailable or do not agree on the potential impact of this missense change (SIFT: "Not Available"; PolyPhen-2: "Probably Damaging"; Align-GVGD: "Not Available"). In summary, the available evidence is currently insufficient to determine the role of this variant in disease. Therefore, it has been classified as a Variant of Uncertain Significance.

Illumina Laboratory Services, Illumina
Classification: Uncertain significance for Weill-Marchesani 4 syndrome, recessive. Last evaluated: 2018-01-12. Review status: criteria provided, single submitter. Criteria: ICSL Variant Classification Criteria 13 December 2019. Collection method: clinical testing. Allele origin: germline.

Literature cited by the submitters: PubMed 31848748 (cited by Labcorp Genetics (formerly Invitae), Labcorp).